The following is an entry in ClinVar:

ClinVar aggregate classification (germline): Uncertain significance (1 of 4 stars; one submission).

Conditions:
Hypertrophic cardiomyopathy. Also called: HYPERTROPHIC MYOCARDIOPATHY. Identifiers: Orphanet 217569, MedGen C0007194, MeSH D002312, MONDO:0005045, HP:0001639.

Submission:

Labcorp Genetics (formerly Invitae), Labcorp
Classification: Uncertain significance for Hypertrophic cardiomyopathy. Last evaluated: 2019-10-25. Review status: criteria provided, single submitter. Criteria: Invitae Variant Classification Sherloc (09022015). Collection method: clinical testing. Allele origin: germline.
Comment: In summary, the available evidence is currently insufficient to determine the role of this variant in disease. Therefore, it has been classified as a Variant of Uncertain Significance. The current clinical and genetic evidence is not sufficient to establish whether loss-of-function variants in MYOM1 cause disease. This sequence change creates a premature translational stop signal (p.Ala1021Trpfs*7) in the MYOM1 gene. It is expected to result in an absent or disrupted protein product. This variant is present in population databases (rs776378986, ExAC 0.002%). This variant has not been reported in the literature in individuals with MYOM1-related conditions.

NM_003803.4(MYOM1):c.3056_3060dup (p.Ala1021fs)

Gene: MYOM1 (myomesin 1; minus strand). Cytogenetic location: 18p11.31.
Variant type: Microsatellite.
Coding change: c.3056_3060dup on transcript NM_003803.4 (MANE Select); coding-DNA positions 3056 to 3060, 5 bases duplicated (TGGGC; older notation c.3056_3060dupTGGGC).
Protein change: p.Ala1021fs; shifts the reading frame from alanine 1021.
Molecular consequence: frameshift variant.
Genome position (GRCh38, 1-based): chr18:3,119,927-3,119,931, GCCCA duplicated on the plus strand (TGGGC on the coding strand, the reverse complement: MYOM1 is on the minus strand); duplicating any 5 consecutive bases within chr18:3,119,927-3,119,939 gives the same sequence; the c. name uses the placement nearest the transcript's 3' end. VCF-style (leftmost placement, unchanged base first): chr18-3119926-C-CGCCCA. GRCh37 (hg19) VCF-style: chr18-3119924-C-CGCCCA.
Other names: c.2768_2772dup, p.Ala925fs (NM_019856.2); short protein forms A1021fs, A925fs.
Identifiers: ClinVar variation 943018 (VCV000943018.7), dbSNP rs776378986, ClinGen allele CA8874438.
Genomic context (GRCh38, chr18:3,119,926, plus strand): 5'-TACCTGGGACGGCGATGGTCCACTCTTCACATTTGAAGCATTCGCTTACTGCGGAGGGCG[C>CGCCCA]GCCCAGCCCAGCCATGTTCATGGCTGCCACTTGGAACTGATACACCATGTTTTCCTTCAA-3'